The following is an entry in ClinVar:

NM_000051.4(ATM):c.2134del (p.Ser712fs)

Gene: ATM (ATM serine/threonine kinase; plus strand). Cytogenetic location: 11q22.3.
Variant type: Deletion.
Coding change: c.2134del on transcript NM_000051.4 (MANE Select); coding-DNA position 2134, one base deleted (T; older notation c.2134delT).
Protein change: p.Ser712fs; shifts the reading frame from serine 712.
Molecular consequence: frameshift variant.
Genome position (GRCh38, 1-based): chr11:108,256,224, T deleted; the last of 2 consecutive T bases (chr11:108,256,223-108,256,224); deleting either gives the same sequence. VCF-style (leftmost placement, unchanged base first): chr11-108256222-AT-A. GRCh37 (hg19) VCF-style: chr11-108126949-AT-A.
Other names: c.2134delT (NM_000051.3); c.2134del, p.Ser712fs (NM_001351834.2); short protein forms S712fs.
Identifiers: ClinVar variation 641195 (VCV000641195.6), dbSNP rs1591541888, ClinGen allele CA915948363.

ClinVar aggregate classification (germline): Pathogenic (1 of 4 stars; one submission).

Conditions:
Ataxia-telangiectasia syndrome (AT). Also called: LOUIS-BAR SYNDROME; Ataxia-telangiectasia, complementation group E; Ataxia-telangiectasia, complementation group D; AT, COMPLEMENTATION GROUP C; Ataxia telangiectasia (A-T); Cerebello-oculocutaneous telangiectasia. Identifiers: Orphanet 100, MedGen C0004135, MONDO:0008840, OMIM 208900.

Submission:

Labcorp Genetics (formerly Invitae), Labcorp
Classification: Pathogenic for Ataxia-telangiectasia syndrome. Last evaluated: 2018-08-26. Review status: criteria provided, single submitter. Criteria: Invitae Variant Classification Sherloc (09022015). Collection method: clinical testing. Allele origin: germline.
Comment: This variant is not present in population databases (ExAC no frequency). For these reasons, this variant has been classified as Pathogenic. Loss-of-function variants in ATM are known to be pathogenic (PMID: 23807571, 25614872). This variant has not been reported in the literature in individuals with ATM-related disease. This sequence change creates a premature translational stop signal (p.Ser712Glnfs*23) in the ATM gene. It is expected to result in an absent or disrupted protein product.

Literature cited by the submitters: PubMed 23807571; PubMed 25614872.